The following is an entry in ClinVar:

ClinVar aggregate classification (germline): Likely pathogenic (3 of 4 stars; one submission).

Conditions:
Open-angle glaucoma. Identifiers: MedGen C0017612, MONDO:0005338, HP:0012108.

Submission:

ClinGen Glaucoma Variant Curation Expert Panel
Classification: Likely pathogenic for Open-angle glaucoma. Last evaluated: 2025-12-03. Review status: reviewed by expert panel. Criteria: ClinGen Glaucoma ACMG Specifications V2.0.0 Approved. Collection method: curation. Allele origin: germline. Inheritance: Autosomal dominant inheritance.
Comment: The c.1087G>A variant in MYOC is a missense variant predicted to cause substitution of Alanine by Threonine at amino acid 363 (p.Ala363Thr). This variant was not found in any genetic ancestry group of gnomAD (v4.1.0), meeting the ≤ 0.0001 threshold set for PM2_Supporting in a genetic ancestry group of at least 10,000 alleles. The REVEL score = 0.905, which was within the 0.773-0.931 range for PP3_Moderate, predicting a damaging effect on MYOC function. The Ala363Thr protein had increased insolubility and reduced secretion levels compared to wild type myocilin protein in this study (J Hulleman pers. comm.). The assays met the OddsPath threshold for PS3_Moderate (> 4.3) (when combined with PMID: 35196929), indicating that this variant did impact protein function. This protein has also been assessed in this other study (PMID: 14688426), however, the same level of evidence was not met. 5 segregations in 3 families, with juvenile or primary open angle glaucoma (JOAG or POAG), have been reported (PMIDs: 18334962, 16491872), which fulfilled PP1_Moderate (5-6 meioses). 4 probands with JOAG or POAG have been reported carrying this variant (PMIDs: 15534471, 18334962), which met PS4_Supporting (≥ 2 probands). In summary, this variant met the criteria to receive a score of 8 and to be classified as likely pathogenic (likely pathogenic classification range 6 to 9, adapted from PMID: 32720330) for juvenile open angle glaucoma based on the ACMG/AMP criteria met, as specified by the ClinGen Glaucoma VCEP (v2.0.0, 5 Dec 2024): PS3_Moderate, PP1_Moderate, PP3_Moderate, PS4_Supporting, PM2_Supporting

Literature cited by the submitters: PubMed 35196929.

NM_000261.2(MYOC):c.1087G>A (p.Ala363Thr)

Gene: MYOC (myocilin; minus strand). Cytogenetic location: 1q24.3.
Variant type: single nucleotide variant.
Coding change: c.1087G>A on transcript NM_000261.2 (MANE Select); coding-DNA position 1087, G replaced by A.
Protein change: p.Ala363Thr; replaces alanine 363 with threonine.
Molecular consequence: missense variant.
Genome position (GRCh38, 1-based): chr1:171,636,353, C>T on the plus strand (G>A on the coding strand, the complement: MYOC is on the minus strand). VCF-style: chr1-171636353-C-T. GRCh37 (hg19) VCF-style: chr1-171605493-C-T.
Other names: NM_000261.2:c.1087G>A; short protein forms A363T.
Identifiers: ClinVar variation 1342962 (VCV001342962.5), dbSNP rs2102944665, ClinGen allele CA343724770.
Genomic context (GRCh38, chr1:171,636,353, plus strand): 5'-CAGCCAAGTCAATGTCCGTGTAGCCACCCCAAGAATACGGGAACTGTCCGTGGTAGCCAG[C>T]TCCAGGGATTTCCTTCTCAGCCTTCACTGTCTCGGTATTCAGCTCATATCTTATGACAGT-3'
Protein context (NP_000252.1, residues 353-373): TVKAEKEIPG[Ala363Thr]GYHGQFPYSW